The following is an entry in ClinVar:

ClinVar aggregate classification (germline): Uncertain significance (1 of 4 stars; one submission).

Conditions:
MHC class II deficiency. Also called: BLS, TYPE II; Bare lymphocyte syndrome 2. Identifiers: Orphanet 572, MedGen C5447452, MONDO:0008855.

Allele frequency attached by ClinVar (database versions not stated): gnomAD exomes below 0.00001; ExAC 0.00001; TOPMed 0.00003; gnomAD 0.00004 and 0.00005.
gnomAD v4.1: 9 of 1,611,084 alleles (0.00056%); highest among the groups gnomAD compares: African/African-American, 0.012%; no homozygotes.

Submission:

Labcorp Genetics (formerly Invitae), Labcorp
Classification: Uncertain significance for MHC class II deficiency. Last evaluated: 2022-06-13. Review status: criteria provided, single submitter. Criteria: Invitae Variant Classification Sherloc (09022015). Collection method: clinical testing. Allele origin: germline.
Comment: This sequence change replaces proline, which is neutral and non-polar, with leucine, which is neutral and non-polar, at codon 287 of the RFX5 protein (p.Pro287Leu). This variant is present in population databases (rs771016197, gnomAD 0.009%). This variant has not been reported in the literature in individuals affected with RFX5-related conditions. Algorithms developed to predict the effect of missense changes on protein structure and function (SIFT, PolyPhen-2, Align-GVGD) all suggest that this variant is likely to be tolerated. In summary, the available evidence is currently insufficient to determine the role of this variant in disease. Therefore, it has been classified as a Variant of Uncertain Significance.

NM_001025603.2(RFX5):c.860C>T (p.Pro287Leu)

Gene: RFX5 (regulatory factor X5; minus strand). Cytogenetic location: 1q21.3.
Variant type: single nucleotide variant.
Coding change: c.860C>T on transcript NM_001025603.2 (MANE Select); coding-DNA position 860, C replaced by T.
Protein change: p.Pro287Leu; replaces proline 287 with leucine.
Molecular consequence: missense variant.
Genome position (GRCh38, 1-based): chr1:151,343,177, G>A on the plus strand (C>T on the coding strand, the complement: RFX5 is on the minus strand). VCF-style: chr1-151343177-G-A. GRCh37 (hg19) VCF-style: chr1-151315653-G-A.
Other names: c.860C>T, p.Pro287Leu (NM_000449.4, NM_001379412.1, NM_001379413.1 and 5 more transcripts); c.740C>T, p.Pro247Leu (NM_001379419.1, NM_001379420.1); short protein forms P247L, P287L.
Identifiers: ClinVar variation 1446258 (VCV001446258.5), dbSNP rs771016197, ClinGen allele CA1089717.